The following is an entry in ClinVar:

ClinVar aggregate classification (germline): Pathogenic (1 of 4 stars; one submission).

Conditions:
Pheochromocytoma/paraganglioma syndrome 4. Also called: PARAGANGLIOMA, FAMILIAL MALIGNANT; PARAGANGLIOMAS, HEREDITARY EXTRAADRENAL; PHEOCHROMOCYTOMA, FAMILIAL EXTRAADRENAL; Paragangliomas 4; CAROTID BODY TUMORS AND MULTIPLE EXTRAADRENAL PHEOCHROMOCYTOMAS; SDHB-Related Hereditary Paraganglioma-Pheochromocytoma Syndrome (Paragangliomas 4). Identifiers: Orphanet 29072, MedGen C1861848, MONDO:0007273, OMIM 115310.
Gastrointestinal stromal tumor. Also called: Gastrointestinal stroma tumor; Gastrointestinal stromal tumor, somatic. Identifiers: Orphanet 44890, MedGen C0238198, MeSH D046152, MONDO:0011719, OMIM 606764, HP:0100723.
Pheochromocytoma. Also called: MAX-Related Hereditary Paraganglioma-Pheochromocytoma Syndrome. Identifiers: Orphanet 29072, MedGen C0031511, MONDO:0008233, OMIM 171300, HP:0002666.

gnomAD v4.1: 1 of 1,614,154 alleles (0.000062%); highest among the groups gnomAD compares: Admixed American, 0.0017%; no homozygotes.

Submission:

Labcorp Genetics (formerly Invitae), Labcorp
Classification: Pathogenic for Gastrointestinal stromal tumor; Pheochromocytoma/paraganglioma syndrome 4; Pheochromocytoma. Last evaluated: 2016-08-09. Review status: criteria provided, single submitter. Criteria: Invitae Variant Classification Sherloc (09022015). Collection method: clinical testing. Allele origin: germline.
Comment: This sequence change creates a premature translational stop signal at codon 125 (p.Ser125*) of the SDHB gene. It is expected to result in an absent or disrupted protein product. While this particular variant has not been reported in the literature, truncating variants in SDHB are known to be pathogenic (PMID: 19802898, 19454582). For these reasons, this variant has been classified as Pathogenic.

Literature cited by the submitters: PubMed 19802898; PubMed 19454582.

NM_003000.3(SDHB):c.374C>G (p.Ser125Ter)

Gene: SDHB (succinate dehydrogenase complex iron sulfur subunit B; minus strand). Cytogenetic location: 1p36.13.
Variant type: single nucleotide variant.
Coding change: c.374C>G on transcript NM_003000.3 (MANE Select); coding-DNA position 374, C replaced by G.
Protein change: p.Ser125Ter; replaces serine 125 with a stop codon.
Molecular consequence: nonsense.
Genome position (GRCh38, 1-based): chr1:17,028,649, G>C on the plus strand (C>G on the coding strand, the complement: SDHB is on the minus strand). VCF-style: chr1-17028649-G-C. GRCh37 (hg19) VCF-style: chr1-17355144-G-C.
Other names: short protein forms S125*.
Identifiers: ClinVar variation 412455 (VCV000412455.5), dbSNP rs786203506, ClinGen allele CA16609939.